The following is an entry in ClinVar:

ClinVar aggregate classification (germline): Benign. Review status: criteria provided, multiple submitters, no conflicts (2 of 4 stars). 6 submissions from 6 submitters: Benign (6). Last evaluated 2026-02-03.

Conditions:
Coxopodopatellar syndrome. Also called: ISCHIOPATELLAR DYSPLASIA; Congenital coxa vara, patella aplasia and tarsal synostosis; SCOTT-TAOR SYNDROME; PATELLA APLASIA, COXA VARA, AND TARSAL SYNOSTOSIS; ISCHIOCOXOPODOPATELLAR SYNDROME; ISCHIOCOXOPODOPATELLAR SYNDROME WITH OR WITHOUT PULMONARY ARTERIAL HYPERTENSION. Identifiers: Orphanet 1509, MedGen C1840061, MONDO:0007841, OMIM 147891.

Allele frequency attached by ClinVar (database versions not stated): ExAC 0.14545; gnomAD 0.20250 and 0.20760; 1000 Genomes Project 30x 0.21127; 1000 Genomes Project 0.21326; TOPMed 0.21538; ESP Exome Variant Server 0.22236.
gnomAD v4.1: 211,469 of 1,613,842 alleles (13%); highest among the groups gnomAD compares: African/African-American, 41%; 17,444 homozygotes.

Submissions (6):

Labcorp Genetics (formerly Invitae), Labcorp
Classification: Benign. Last evaluated: 2026-02-03. Review status: criteria provided, single submitter. Criteria: Invitae Variant Classification Sherloc (09022015). Collection method: clinical testing. Allele origin: germline.

Blueprint Genetics
Classification: Benign. Last evaluated: 2024-11-28. Review status: criteria provided, single submitter. Criteria: ACMG Guidelines, 2015. Collection method: clinical testing. Allele origin: germline.

GeneDx
Classification: Benign. Last evaluated: 2018-08-01. Review status: criteria provided, single submitter. Criteria: GeneDx Variant Classification Process June 2021. Collection method: clinical testing. Allele origin: germline. Affected: yes.

Illumina Laboratory Services, Illumina
Classification: Benign for Coxopodopatellar syndrome. Last evaluated: 2018-01-13. Review status: criteria provided, single submitter. Criteria: ICSL Variant Classification Criteria 13 December 2019. Collection method: clinical testing. Allele origin: germline.
Comment: This variant was observed in the ICSL laboratory as part of a predisposition screen in an ostensibly healthy population. It had not been previously curated by ICSL or reported in the Human Gene Mutation Database (HGMD: prior to June 1st, 2018), and was therefore a candidate for classification through an automated scoring system. Utilizing variant allele frequency, disease prevalence and penetrance estimates, and inheritance mode, an automated score was calculated to assess if this variant is too frequent to cause the disease. Based on the score and internal cut-off values, a variant classified as benign is not then subjected to further curation. The score for this variant resulted in a classification of benign for this disease.

Breakthrough Genomics
Classification: Benign. Review status: criteria provided, single submitter. Criteria: ACMG Guidelines, 2015. Collection method: not provided. Allele origin: germline. Inheritance: Autosomal recessive inheritance. Affected: yes.

PreventionGenetics, part of Exact Sciences
Classification: Benign. Review status: criteria provided, single submitter. Criteria: ACMG Guidelines, 2015. Collection method: clinical testing. Allele origin: germline.

NM_001321120.2(TBX4):c.941C>T (p.Ala314Val)

Gene: TBX4 (T-box transcription factor 4; plus strand). Cytogenetic location: 17q23.2.
Variant type: single nucleotide variant.
Coding change: c.941C>T on transcript NM_001321120.2 (MANE Select); coding-DNA position 941, C replaced by T.
Protein change: p.Ala314Val; replaces alanine 314 with valine.
Molecular consequence: missense variant.
Genome position (GRCh38, 1-based): chr17:61,480,239, C>T. VCF-style: chr17-61480239-C-T. GRCh37 (hg19) VCF-style: chr17-59557600-C-T.
Other names: c.941C>T, p.Ala314Val (NM_018488.3, LRG_1206t1); short protein forms A314V.
Identifiers: ClinVar variation 261035 (VCV000261035.16), dbSNP rs3744438, ClinGen allele CA8689971.